The following is an entry in ClinVar:

NM_017433.5(MYO3A):c.2682G>A (p.Met894Ile)

Gene: MYO3A (myosin IIIA; plus strand). Cytogenetic location: 10p12.1.
Variant type: single nucleotide variant.
Coding change: c.2682G>A on transcript NM_017433.5 (MANE Select); coding-DNA position 2682, G replaced by A.
Protein change: p.Met894Ile; replaces methionine 894 with isoleucine.
Molecular consequence: missense variant.
Genome position (GRCh38, 1-based): chr10:26,153,896, G>A. VCF-style: chr10-26153896-G-A. GRCh37 (hg19) VCF-style: chr10-26442825-G-A.
Other names: short protein forms M894I.
Identifiers: ClinVar variation 2367247 (VCV002367247.7), dbSNP rs752166591, ClinGen allele CA5445028.

ClinVar aggregate classification (germline): Uncertain significance. Review status: criteria provided, multiple submitters, no conflicts (2 of 4 stars). 4 submissions from 4 submitters: Uncertain significance (4). Last evaluated 2025-07-14.

Conditions:
Inborn genetic diseases. Identifiers: MedGen C0950123, MeSH D030342.
Autosomal recessive nonsyndromic hearing loss 30. Identifiers: Orphanet 90636, MedGen C1846784, MONDO:0011774, OMIM 607101.
Hearing loss, autosomal dominant 90. Also called: Deafness, autosomal dominant 90. Identifiers: MedGen C5935579, MONDO:0958232, OMIM 620722.

Allele frequency attached by ClinVar (database versions not stated): ExAC 0.00008; gnomAD 0.00009; TOPMed 0.00009.
gnomAD v4.1: 179 of 1,595,572 alleles (0.011%); highest among the groups gnomAD compares: Non-Finnish European, 0.014%; no homozygotes.

Submissions (4):

Labcorp Genetics (formerly Invitae), Labcorp
Classification: Uncertain significance. Last evaluated: 2025-07-14. Review status: criteria provided, single submitter. Criteria: Invitae Variant Classification Sherloc (09022015). Collection method: clinical testing. Allele origin: germline.
Comment: This sequence change replaces methionine, which is neutral and non-polar, with isoleucine, which is neutral and non-polar, at codon 894 of the MYO3A protein (p.Met894Ile). This variant is present in population databases (rs752166591, gnomAD 0.01%). This variant has not been reported in the literature in individuals affected with MYO3A-related conditions. ClinVar contains an entry for this variant (Variation ID: 2367247). An algorithm developed to predict the effect of missense changes on protein structure and function outputs the following: PolyPhen-2: "Benign". The isoleucine amino acid residue is found in multiple mammalian species, which suggests that this missense change does not adversely affect protein function. In summary, the available evidence is currently insufficient to determine the role of this variant in disease. Therefore, it has been classified as a Variant of Uncertain Significance.

Fulgent Genetics
Classification: Uncertain significance for Autosomal recessive nonsyndromic hearing loss 30; Hearing loss, autosomal dominant 90. Last evaluated: 2024-04-09. Review status: criteria provided, single submitter. Criteria: ACMG Guidelines, 2015. Collection method: clinical testing. Allele origin: germline.

Blueprint Genetics
Classification: Uncertain significance. Last evaluated: 2023-08-17. Review status: criteria provided, single submitter. Criteria: ACMG Guidelines, 2015. Collection method: clinical testing. Allele origin: germline.

Ambry Genetics
Classification: Uncertain significance for Inborn genetic diseases. Last evaluated: 2021-08-06. Review status: criteria provided, single submitter. Criteria: Ambry Variant Classification Scheme 2023. Collection method: clinical testing. Allele origin: germline.